The following is an entry in ClinVar:

ClinVar aggregate classification (germline): Uncertain significance (0 of 4 stars; one submission).

Conditions:
PCNT-related disorder. Also called: PCNT-related condition.

gnomAD v4.1: 12 of 1,611,404 alleles (0.00074%); highest among the groups gnomAD compares: African/African-American, 0.0027%; no homozygotes.

Submission:

PreventionGenetics, part of Exact Sciences
Classification: Uncertain significance for PCNT-related condition. Last evaluated: 2023-10-31. Review status: no assertion criteria provided. Collection method: clinical testing. Allele origin: germline.
Comment: The PCNT c.5668G>A variant is predicted to result in the amino acid substitution p.Glu1890Lys. To our knowledge, this variant has not been reported in the literature. This variant is reported in 0.0069% of alleles in individuals of African descent in gnomAD. At this time, the clinical significance of this variant is uncertain due to the absence of conclusive functional and genetic evidence.

NM_006031.6(PCNT):c.5668G>A (p.Glu1890Lys)

Gene: PCNT (pericentrin; plus strand). Cytogenetic location: 21q22.3.
Variant type: single nucleotide variant.
Coding change: c.5668G>A on transcript NM_006031.6 (MANE Select); coding-DNA position 5668, G replaced by A.
Protein change: p.Glu1890Lys; replaces glutamic acid 1890 with lysine.
Molecular consequence: missense variant.
Genome position (GRCh38, 1-based): chr21:46,411,741, G>A. VCF-style: chr21-46411741-G-A. GRCh37 (hg19) VCF-style: chr21-47831655-G-A.
Other names: c.5314G>A, p.Glu1772Lys (NM_001315529.2); short protein forms E1772K, E1890K.
Identifiers: ClinVar variation 3041142 (VCV003041142.2), dbSNP rs201631915, ClinGen allele CA321998110.